The following is an entry in ClinVar:

NM_000051.4(ATM):c.4390G>A (p.Val1464Ile)

Gene: ATM (ATM serine/threonine kinase; plus strand). Cytogenetic location: 11q22.3.
Variant type: single nucleotide variant.
Coding change: c.4390G>A on transcript NM_000051.4 (MANE Select); coding-DNA position 4390, G replaced by A.
Protein change: p.Val1464Ile; replaces valine 1464 with isoleucine.
Molecular consequence: missense variant.
Genome position (GRCh38, 1-based): chr11:108,289,755, G>A. VCF-style: chr11-108289755-G-A. GRCh37 (hg19) VCF-style: chr11-108160482-G-A.
Other names: c.4390G>A, p.Val1464Ile (NM_001351834.2); short protein forms V1464I.
Identifiers: ClinVar variation 3340599 (VCV003340599.1).

ClinVar aggregate classification (germline): Uncertain significance (1 of 4 stars; one submission).

Submission:

GeneDx
Classification: Uncertain significance. Last evaluated: 2024-01-09. Review status: criteria provided, single submitter. Criteria: GeneDx Variant Classification Process June 2021. Collection method: clinical testing. Allele origin: germline. Affected: yes.
Comment: Not observed at significant frequency in large population cohorts (gnomAD); In silico analysis supports that this missense variant does not alter protein structure/function; Observed only in unaffected male controls in a case-control study of breast cancer (PMID: 30287823); Observed with a second missense variant in the ATM gene in an individual with early onset cerebellar ataxia and other features of A-T; however, it is unknown whether the variants are on the same or opposite chromosomes (in cis or trans) (PMID: 31429931); This variant is associated with the following publications: (PMID: 30287823, 31429931, 36243179)